The following is an entry in ClinVar:

ClinVar aggregate classification (germline): Uncertain significance (1 of 4 stars; one submission).

Allele frequency attached by ClinVar (database versions not stated): gnomAD exomes below 0.00001.
gnomAD v4.1: 1 of 1,597,638 alleles (0.000063%); highest among the groups gnomAD compares: Non-Finnish European, 0.000085%; no homozygotes.

Submission:

Labcorp Genetics (formerly Invitae), Labcorp
Classification: Uncertain significance. Last evaluated: 2023-12-13. Review status: criteria provided, single submitter. Criteria: Invitae Variant Classification Sherloc (09022015). Collection method: clinical testing. Allele origin: germline.
Comment: This sequence change replaces glycine, which is neutral and non-polar, with glutamic acid, which is acidic and polar, at codon 1392 of the RIMS1 protein (p.Gly1392Glu). This variant is not present in population databases (gnomAD no frequency). This variant has not been reported in the literature in individuals affected with RIMS1-related conditions. An algorithm developed to predict the effect of missense changes on protein structure and function (PolyPhen-2) suggests that this variant is likely to be disruptive. In summary, the available evidence is currently insufficient to determine the role of this variant in disease. Therefore, it has been classified as a Variant of Uncertain Significance.

NM_014989.7(RIMS1):c.4175G>A (p.Gly1392Glu)

Gene: RIMS1 (regulating synaptic membrane exocytosis 1; plus strand). Cytogenetic location: 6q13.
Variant type: single nucleotide variant.
Coding change: c.4175G>A on transcript NM_014989.7 (MANE Select); coding-DNA position 4175, G replaced by A.
Protein change: p.Gly1392Glu; replaces glycine 1392 with glutamic acid.
Molecular consequence: missense variant. On other transcripts: intron variant (24).
Genome position (GRCh38, 1-based): chr6:72,333,644, G>A. VCF-style: chr6-72333644-G-A. GRCh37 (hg19) VCF-style: chr6-73043347-G-A.
Other names: c.2135G>A, p.Gly712Glu (NM_001168407.2); c.2096G>A, p.Gly699Glu (NM_001350414.2); c.2192G>A, p.Gly731Glu (NM_001350415.2); c.2141G>A, p.Gly714Glu (NM_001350416.2); c.2114G>A, p.Gly705Glu (NM_001350418.2); c.2249G>A, p.Gly750Glu (NM_001350420.2); c.1994G>A, p.Gly665Glu (NM_001350421.2); c.1883G>A, p.Gly628Glu (NM_001350423.2); and 53 more; short protein forms G607E, G628E, G659E, G682E, G693E, G705E, G712E, G715E.
Identifiers: ClinVar variation 2702630 (VCV002702630.3), dbSNP rs1476082888, ClinGen allele CA364692728.